The following is an entry in ClinVar:

ClinVar aggregate classification (germline): Uncertain significance (1 of 4 stars; one submission).

gnomAD v4.1: 1 of 1,614,204 alleles (0.000062%); highest among the groups gnomAD compares: Non-Finnish European, 0.000085%; no homozygotes.

Submission:

Ambry Genetics
Classification: Uncertain significance. Last evaluated: 2022-06-20. Review status: criteria provided, single submitter. Criteria: Ambry Variant Classification Scheme 2023. Collection method: clinical testing. Allele origin: germline.
Comment: The p.E297K variant (also known as c.889G>A), located in coding exon 3 of the TERF2IP gene, results from a G to A substitution at nucleotide position 889. The glutamic acid at codon 297 is replaced by lysine, an amino acid with similar properties. This amino acid position is conserved. In addition, this alteration is predicted to be tolerated by in silico analysis. Since supporting evidence is limited at this time, the clinical significance of this alteration remains unclear.

NM_018975.4(TERF2IP):c.889G>A (p.Glu297Lys)

Gene: TERF2IP (TERF2 interacting protein; plus strand). Cytogenetic location: 16q23.1.
Variant type: single nucleotide variant.
Coding change: c.889G>A on transcript NM_018975.4 (MANE Select); coding-DNA position 889, G replaced by A.
Protein change: p.Glu297Lys; replaces glutamic acid 297 with lysine.
Molecular consequence: missense variant. On other transcripts: non-coding transcript variant (1).
Genome position (GRCh38, 1-based): chr16:75,656,300, G>A. VCF-style: chr16-75656300-G-A. GRCh37 (hg19) VCF-style: chr16-75690198-G-A.
Other names: short protein forms E297K.
Identifiers: ClinVar variation 1765022 (VCV001765022.2), dbSNP rs2507089320, ClinGen allele CA396819803.
Genomic context (GRCh38, chr16:75,656,300, plus strand): 5'-ATAACTATGTGTGATGATGATCCACCCACACCTGAGGAAGACTCAGAAACACAGCCTGAT[G>A]AGGAGGAAGAAGAAGAAGAAGAAAAAGTTTCTCAACCAGAGGTGGGAGCTGCCATTAAGA-3'
Protein context (NP_061848.2, residues 287-307): PEEDSETQPD[Glu297Lys]EEEEEEEKVS